The following is an entry in ClinVar:

ClinVar aggregate classification (germline): Uncertain significance (1 of 4 stars; one submission).

Submission:

GeneDx
Classification: Uncertain significance. Last evaluated: 2023-04-14. Review status: criteria provided, single submitter. Criteria: GeneDx Variant Classification Process June 2021. Collection method: clinical testing. Allele origin: germline. Affected: yes.
Comment: Not observed at significant frequency in large population cohorts (gnomAD); Frameshift variant predicted to result in protein truncation or nonsense mediated decay in a gene or region of a gene for which loss of function is not a well-established mechanism of disease; Has not been previously published as pathogenic or benign to our knowledge

NM_002911.4(UPF1):c.370dup (p.Ser124fs)

Gene: UPF1 (UPF1 RNA helicase and ATPase; plus strand). Cytogenetic location: 19p13.11.
Variant type: Duplication.
Coding change: c.370dup on transcript NM_002911.4 (MANE Select); coding-DNA position 370, one base duplicated (A; older notation c.370dupA).
Protein change: p.Ser124fs; shifts the reading frame from serine 124.
Molecular consequence: frameshift variant.
Genome position (GRCh38, 1-based): chr19:18,846,118, A duplicated. VCF-style (leftmost placement, unchanged base first): chr19-18846117-C-CA. GRCh37 (hg19) VCF-style: chr19-18956926-C-CA.
Other names: c.370dup, p.Ser124fs (NM_001297549.2); short protein forms S124fs.
Identifiers: ClinVar variation 2663551 (VCV002663551.1), dbSNP rs2512900383, ClinGen allele CA2695198163.
Genomic context (GRCh38, chr19:18,846,117, plus strand): 5'-GAACTTCGAGGAAGATGAAGAAGACACCTATTACACGAAGGACCTCCCCATACACGCCTG[C>CA]AGGTGAGCTGAGCTCAGCTGGGCCTGGGCATGTGCTGGACAGGTGGGTGCCTCTGGCATG-3'